The following is an entry in ClinVar:

NM_020778.5(ALPK3):c.4549G>C (p.Ala1517Pro)

Gene: ALPK3 (alpha kinase 3; plus strand). Cytogenetic location: 15q25.3.
Variant type: single nucleotide variant.
Coding change: c.4549G>C on transcript NM_020778.5 (MANE Select); coding-DNA position 4549, G replaced by C.
Protein change: p.Ala1517Pro; replaces alanine 1517 with proline.
Molecular consequence: missense variant.
Genome position (GRCh38, 1-based): chr15:84,864,491, G>C. VCF-style: chr15-84864491-G-C. GRCh37 (hg19) VCF-style: chr15-85407722-G-C.
Other names: A1719P; short protein forms A1517P.
Identifiers: ClinVar variation 1745689 (VCV001745689.5), dbSNP rs1280722820, ClinGen allele CA393364856.

ClinVar aggregate classification (germline): Uncertain significance. Review status: criteria provided, multiple submitters, no conflicts (2 of 4 stars). 3 submissions from 3 submitters: Uncertain significance (2). 1 of the submissions does not count toward it. Last evaluated 2024-11-11.

Conditions:
Cardiomyopathy, familial hypertrophic 27. Identifiers: MedGen C4748014, MONDO:0054838, OMIM 618052.
Cardiovascular phenotype. Identifiers: MedGen CN230736.

Allele frequency attached by ClinVar (database versions not stated): TOPMed below 0.00001.

Submissions (3):

Labcorp Genetics (formerly Invitae), Labcorp
Classification: Uncertain significance. Last evaluated: 2024-11-11. Review status: criteria provided, single submitter. Criteria: Invitae Variant Classification Sherloc (09022015). Collection method: clinical testing. Allele origin: germline.
Comment: This sequence change replaces alanine, which is neutral and non-polar, with proline, which is neutral and non-polar, at codon 1719 of the ALPK3 protein (p.Ala1719Pro). This variant is not present in population databases (gnomAD no frequency). This missense change has been observed in individual(s) with clinical features of autosomal recessive ALPK3-related conditions (PMID: 32480058). ClinVar contains an entry for this variant (Variation ID: 1745689). Invitae Evidence Modeling of protein sequence and biophysical properties (such as structural, functional, and spatial information, amino acid conservation, physicochemical variation, residue mobility, and thermodynamic stability) indicates that this missense variant is expected to disrupt ALPK3 protein function with a positive predictive value of 80%. In summary, the available evidence is currently insufficient to determine the role of this variant in disease. Therefore, it has been classified as a Variant of Uncertain Significance.

Ambry Genetics
Classification: Uncertain significance for Cardiovascular phenotype. Last evaluated: 2020-05-27. Review status: criteria provided, single submitter. Criteria: Ambry Variant Classification Scheme 2023. Collection method: clinical testing. Allele origin: germline.
Comment: The p.A1719P variant (also known as c.5155G>C), located in coding exon 12 of the ALPK3 gene, results from a G to C substitution at nucleotide position 5155. The alanine at codon 1719 is replaced by proline, an amino acid with highly similar properties. This amino acid position is highly conserved in available vertebrate species. In addition, the in silico prediction for this alteration is inconclusive. Since supporting evidence is limited at this time, the clinical significance of this alteration remains unclear.

OMIM
Classification: Pathogenic for CARDIOMYOPATHY, FAMILIAL HYPERTROPHIC, 27. Last evaluated: 2025-02-20. Review status: no assertion criteria provided. Collection method: literature only. Allele origin: germline. Not counted in ClinVar's aggregate classification.

Literature cited by the submitters: PubMed 32480058 (cited by Labcorp Genetics (formerly Invitae), Labcorp and OMIM).